The following is an entry in ClinVar:

ClinVar aggregate classification (germline): Pathogenic (1 of 4 stars; one submission).

Conditions:
Cardiovascular phenotype. Identifiers: MedGen CN230736.

Submission:

Ambry Genetics
Classification: Pathogenic for Cardiovascular phenotype. Last evaluated: 2026-09-03. Review status: criteria provided, single submitter. Criteria: Ambry Variant Classification Scheme 2023. Collection method: clinical testing. Allele origin: germline.
Comment: The c.2486_2487delTC pathogenic mutation, located in coding exon 16 of the FLNC gene, results from a deletion of two nucleotides at nucleotide positions 2486 to 2487, causing a translational frameshift with a predicted alternate stop codon (p.F829Yfs*90). This variant was reported in individual(s) with features consistent with dilated cardiomyopathy (Ambry internal data). This variant is considered to be rare based on population cohorts in the Genome Aggregation Database (gnomAD). This alteration is expected to result in loss of function by premature protein truncation or nonsense-mediated mRNA decay. As such, this alteration is interpreted as a disease-causing mutation for FLNC-related dilated cardiomyopathy; however, its clinical significance for FLNC-related hypertrophic/restrictive cardiomyopathy and/or skeletal myopathy is uncertain.

NM_001458.5(FLNC):c.2486_2487del (p.Phe829fs)

Gene: FLNC (filamin C; plus strand). Cytogenetic location: 7q32.1.
Variant type: Deletion.
Coding change: c.2486_2487del on transcript NM_001458.5 (MANE Select); coding-DNA positions 2486 to 2487, 2 bases deleted (TC; older notation c.2486_2487delTC).
Protein change: p.Phe829fs; shifts the reading frame from phenylalanine 829.
Molecular consequence: frameshift variant.
Genome position (GRCh38, 1-based): chr7:128,842,890-128,842,891, TC deleted. VCF-style (leftmost placement, unchanged base first): chr7-128842889-TTC-T. GRCh37 (hg19) VCF-style: chr7-128482943-TTC-T.
Other names: c.2486_2487del, p.Phe829fs (NM_001127487.2); short protein forms F829fs.
Identifiers: ClinVar variation 5021971 (VCV005021971.1).
Genomic context (GRCh38, chr7:128,842,889, plus strand): 5'-GTGGTGGGCCCTGCAGAGGCTGACATTGACTTCGACATCATCAAGAATGACAACGACACC[TTC>T]ACCGTCAAGTACACGCCACCAGGGGCGGGCCGCTACACCATCATGGTGCTGTTTGCCAAC-3'